The following is an entry in ClinVar:

ClinVar aggregate classification (germline): Uncertain significance (1 of 4 stars; one submission).

gnomAD v4.1: 17 of 1,612,664 alleles (0.0011%); highest among the groups gnomAD compares: South Asian, 0.0055%; no homozygotes.

Submission:

Labcorp Genetics (formerly Invitae), Labcorp
Classification: Uncertain significance. Last evaluated: 2026-01-22. Review status: criteria provided, single submitter. Criteria: Invitae Variant Classification Sherloc (09022015). Collection method: clinical testing. Allele origin: germline.
Comment: This sequence change replaces arginine, which is basic and polar, with cysteine, which is neutral and slightly polar, at codon 168 of the RPL18 protein (p.Arg168Cys). This variant is present in population databases (rs770830016, gnomAD 0.007%). This variant has not been reported in the literature in individuals affected with RPL18-related conditions. An algorithm developed to predict the effect of missense changes on protein structure and function (PolyPhen-2) suggests that this variant is likely to be tolerated. In summary, the available evidence is currently insufficient to determine the role of this variant in disease. Therefore, it has been classified as a Variant of Uncertain Significance.

NM_000979.4(RPL18):c.502C>T (p.Arg168Cys)

Gene: RPL18 (ribosomal protein L18; minus strand). Cytogenetic location: 19q13.33.
Variant type: single nucleotide variant.
Coding change: c.502C>T on transcript NM_000979.4 (MANE Select); coding-DNA position 502, C replaced by T.
Protein change: p.Arg168Cys; replaces arginine 168 with cysteine.
Molecular consequence: missense variant. On other transcripts: non-coding transcript variant (1).
Genome position (GRCh38, 1-based): chr19:48,615,437, G>A on the plus strand (C>T on the coding strand, the complement: RPL18 is on the minus strand). VCF-style: chr19-48615437-G-A. GRCh37 (hg19) VCF-style: chr19-49118694-G-A.
Other names: c.415C>T, p.Arg139Cys (NM_001270490.2); short protein forms R139C, R168C.
Identifiers: ClinVar variation 4779522 (VCV004779522.1).